The following is an entry in ClinVar:

NM_172351.3(CD46):c.1073A>G (p.Lys358Arg)

Gene: CD46 (CD46 molecule; plus strand). Cytogenetic location: 1q32.2.
Variant type: single nucleotide variant.
Coding change: c.1073A>G on transcript NM_172351.3 (MANE Select); coding-DNA position 1073, A replaced by G.
Protein change: p.Lys358Arg; replaces lysine 358 with arginine.
Molecular consequence: missense variant. On other transcripts: intron variant (1).
Genome position (GRCh38, 1-based): chr1:207,785,673, A>G. VCF-style: chr1-207785673-A-G. GRCh37 (hg19) VCF-style: chr1-207959018-A-G.
Other names: c.1118A>G, p.Lys373Arg (NM_002389.4, NM_172359.3); c.1073A>G, p.Lys358Arg (NM_153826.4); c.1028A>G, p.Lys343Arg (NM_172352.3, NM_172353.3); c.1031A>G, p.Lys344Arg (NM_172355.3, NM_172356.3); c.986A>G, p.Lys329Arg (NM_172357.3, NM_172361.3); c.1036A>G, p.Arg346Gly (NM_172358.3); c.973+567A>G (NM_172350.3); short protein forms K343R, K373R, K358R, R346G, K329R, K344R.
Identifiers: ClinVar variation 1474523 (VCV001474523.8), dbSNP rs2102690046, ClinGen allele CA344552916.

ClinVar aggregate classification (germline): Uncertain significance (1 of 4 stars; one submission).

gnomAD v4.1: 10 of 1,604,622 alleles (0.00062%); highest among the groups gnomAD compares: Non-Finnish European, 0.00085%; no homozygotes.

Submission:

Labcorp Genetics (formerly Invitae), Labcorp
Classification: Uncertain significance. Last evaluated: 2023-01-31. Review status: criteria provided, single submitter. Criteria: Invitae Variant Classification Sherloc (09022015). Collection method: clinical testing. Allele origin: germline.
Comment: This variant is not present in population databases (gnomAD no frequency). In summary, the available evidence is currently insufficient to determine the role of this variant in disease. Therefore, it has been classified as a Variant of Uncertain Significance. Algorithms developed to predict the effect of missense changes on protein structure and function output the following: SIFT: "Tolerated"; PolyPhen-2: "Probably Damaging"; Align-GVGD: "Class C0". The arginine amino acid residue is found in multiple mammalian species, which suggests that this missense change does not adversely affect protein function. ClinVar contains an entry for this variant (Variation ID: 1474523). This variant has not been reported in the literature in individuals affected with CD46-related conditions. This sequence change replaces lysine, which is basic and polar, with arginine, which is basic and polar, at codon 373 of the CD46 protein (p.Lys373Arg).